The following is an entry in ClinVar:

ClinVar aggregate classification (germline): Pathogenic/Likely pathogenic. Review status: no assertion criteria provided (0 of 4 stars). 2 submissions from 2 submitters: Pathogenic (1); Likely pathogenic (1). Last evaluated 2019-04-22.

Conditions:
Spondylo-megaepiphyseal-metaphyseal dysplasia (SMMD). Identifiers: Orphanet 228387, MedGen C2750066, MONDO:0013228, OMIM 613330.

Submissions (2):

OMIM
Classification: Pathogenic for SPONDYLO-MEGAEPIPHYSEAL-METAPHYSEAL DYSPLASIA. Last evaluated: 2019-04-22. Review status: no assertion criteria provided. Collection method: literature only. Allele origin: germline.

Hacettepe Genetic Diseases Diagnosis Center, Hacettepe University Faculty of Medicine
Classification: Likely pathogenic for Spondylo-megaepiphyseal-metaphyseal dysplasia. Last evaluated: 2018-03-30. Review status: no assertion criteria provided. Collection method: clinical testing. Allele origin: germline. Inheritance: Autosomal recessive inheritance. Affected: yes. Observed: 1 variant allele, 1 homozygote.
Comment: The c.507_508delCA (p.Gly171Cysfs*55) in exon 2 (GRCh37, NM_001189.3) of NKX3-2 has not been reported previously in the literature. Skeletal survey revealed total absence of ossification of the vertebral bodies, pubes, and ischia. The long bones were short and broad with flared metaphyses. The downward sloping or tented appearance of the ribs were distinctive. A diagnosis of â€œSpondylo-Megaepiphyseal-Metaphyseal Dysplasiaâ€ (SMMD) was made on clinical and radiological grounds. Molecular analysis revealed homozygosity for a novel mutation, c.507_508delCA (p.Gly171Cysfs*55) in exon 2 of NKX3-2. This genetic change was predicted as "Disease Causing" by MutationTaster (with the score of 1.0). This genetic change was not present in our in-house database established within â€œHacettepe Exome Projectâ€ which comprises 380 clinically unrelated Turkish individuals. In summary, the p.Gly171Cysfs*55 variant meets our criteria to be classified as â€œLikely pathogenicâ€.

Literature cited by the submitters: PubMed 29704686 (cited by OMIM and Hacettepe Genetic Diseases Diagnosis Center, Hacettepe University Faculty of Medicine).

NM_001189.4(NKX3-2):c.507_508del (p.Gly171fs)

Gene: NKX3-2 (NK3 homeobox 2; minus strand). Cytogenetic location: 4p15.33.
Variant type: Deletion.
Coding change: c.507_508del on transcript NM_001189.4 (MANE Select); coding-DNA positions 507 to 508, 2 bases deleted (CA; older notation c.507_508delCA).
Protein change: p.Gly171fs; shifts the reading frame from glycine 171.
Molecular consequence: frameshift variant.
Genome position (GRCh38, 1-based): chr4:13,542,487-13,542,488, TG deleted on the plus strand (CA on the coding strand, the reverse complement: NKX3-2 is on the minus strand). VCF-style (leftmost placement, unchanged base first): chr4-13542486-CTG-C. GRCh37 (hg19) VCF-style: chr4-13544110-CTG-C.
Other names: G171Cfs*55; short protein forms G171fs.
Identifiers: ClinVar variation 522597 (VCV000522597.4), dbSNP rs1560165127, ClinGen allele CA891842569.
Genomic context (GRCh38, chr4:13,542,486, plus strand): 5'-GCCGGCCCGCTGCCGCCCCCGCCGCCGGCCCCGCTGCACAGCGCGGACACGTGTGCACCT[CTG>C]GGGCCAACACCGTCGTCCTCGGTCCTTGGGCTGCGGTCGCCTGCGGACCCCGGTGGGAAC-3'